The following is an entry in ClinVar:

NM_000492.4(CFTR):c.3545A>G (p.Tyr1182Cys)

Genes: CFTR-AS2 (CFTR antisense RNA 2; minus strand), CFTR (CF transmembrane conductance regulator; plus strand). Cytogenetic location: 7q31.2.
Variant type: single nucleotide variant.
Coding change: c.3545A>G on transcript NM_000492.4 (MANE Select); coding-DNA position 3545, A replaced by G.
Protein change: p.Tyr1182Cys; replaces tyrosine 1182 with cysteine.
Molecular consequence: missense variant.
Genome position (GRCh38, 1-based): chr7:117,627,598, A>G. VCF-style: chr7-117627598-A-G. GRCh37 (hg19) VCF-style: chr7-117267652-A-G.
Other names: short protein forms Y1182C.
Identifiers: ClinVar variation 4854409 (VCV004854409.1).
Genomic context (GRCh38, chr7:117,627,598, plus strand): 5'-GAGTCTTTAAGTTCATTGACATGCCAACAGAAGGTAAACCTACCAAGTCAACCAAACCAT[A>G]CAAGAATGGCCAACTCTCGAAAGTTATGATTATTGAGAATTCACACGTGAAGAAAGATGA-3'
Protein context (NP_000483.3, residues 1172-1192): EGKPTKSTKP[Tyr1182Cys]KNGQLSKVMI

ClinVar aggregate classification (germline): Uncertain significance (1 of 4 stars; one submission).

Conditions:
Cystic fibrosis (CF). Also called: MUCOVISCIDOSIS. Identifiers: Orphanet 586, MedGen C0010674, MONDO:0009061, OMIM 219700. Disease mechanism: loss of function.

Submission:

3billion
Classification: Uncertain significance for Cystic fibrosis. Last evaluated: 2025-08-06. Review status: criteria provided, single submitter. Criteria: ACMG Guidelines, 2015. Collection method: clinical testing. Allele origin: germline. Affected: yes.
Comment: The variant is not observed in the gnomAD v4.1.0 dataset. Predicted Consequence/Location: Missense variant In silico tool predictions suggest damaging effect of the variant on gene or gene product [REVEL: 0.26 (>=0.6, sensitivity 0.68 and specificity 0.92); 3Cnet: 0.94 (> 0.75, sensitivity 0.96 and precision 0.92)]. Different missense changes at the same codon have been reported as of uncertain significance (ClinVar ID: VCV001506259). Therefore, this variant is classified as VUS according to the recommendation of ACMG/AMP guideline.